The following is an entry in ClinVar:

ClinVar aggregate classification (germline): Uncertain significance. Review status: criteria provided, multiple submitters, no conflicts (2 of 4 stars). 3 submissions from 3 submitters: Uncertain significance (3). Last evaluated 2023-04-11.

Conditions:
Geroderma osteodysplastica (GO). Also called: WALT DISNEY DWARFISM; Geroderma osteodysplasticum. Identifiers: Orphanet 2078, MedGen C0432255, MONDO:0009271, OMIM 231070.

Allele frequency attached by ClinVar (database versions not stated): gnomAD 0.00001; gnomAD exomes 0.00002; ExAC 0.00003; TOPMed 0.00003.
gnomAD v4.1: 30 of 1,612,252 alleles (0.0019%); highest among the groups gnomAD compares: Non-Finnish European, 0.0025%; no homozygotes.

Submissions (3):

Genome-Nilou Lab
Classification: Uncertain significance for Geroderma osteodysplastica. Last evaluated: 2023-04-11. Review status: criteria provided, single submitter. Criteria: ACMG Guidelines, 2015. Collection method: clinical testing. Allele origin: germline. Affected: no.

Labcorp Genetics (formerly Invitae), Labcorp
Classification: Uncertain significance. Last evaluated: 2021-09-24. Review status: criteria provided, single submitter. Criteria: Invitae Variant Classification Sherloc (09022015). Collection method: clinical testing. Allele origin: germline.
Comment: This sequence change replaces aspartic acid with glutamic acid at codon 241 of the GORAB protein (p.Asp241Glu). The aspartic acid residue is moderately conserved and there is a small physicochemical difference between aspartic acid and glutamic acid. This variant is present in population databases (rs780332229, ExAC 0.006%). This variant has not been reported in the literature in individuals with GORAB-related conditions. ClinVar contains an entry for this variant (Variation ID: 1013263). Algorithms developed to predict the effect of missense changes on protein structure and function output the following: SIFT: "Tolerated"; PolyPhen-2: "Benign"; Align-GVGD: "Class C0". The glutamic acid amino acid residue is found in multiple mammalian species, suggesting that this missense change does not adversely affect protein function. These predictions have not been confirmed by published functional studies and their clinical significance is uncertain. In summary, the available evidence is currently insufficient to determine the role of this variant in disease. Therefore, it has been classified as a Variant of Uncertain Significance.

CeGaT Center for Human Genetics Tuebingen
Classification: Uncertain significance. Last evaluated: 2021-01-01. Review status: criteria provided, single submitter. Criteria: CeGaT Center For Human Genetics Tuebingen Variant Classification Criteria Version 2. Collection method: clinical testing. Allele origin: germline. Affected: yes. Observed: 1 variant allele.

NM_152281.3(GORAB):c.648C>G (p.Asp216Glu)

Gene: GORAB (golgin, RAB6 interacting; plus strand). Cytogenetic location: 1q24.2.
Variant type: single nucleotide variant.
Coding change: c.648C>G on transcript NM_152281.3 (MANE Select); coding-DNA position 648, C replaced by G.
Protein change: p.Asp216Glu; replaces aspartic acid 216 with glutamic acid.
Molecular consequence: missense variant. On other transcripts: non-coding transcript variant (1).
Genome position (GRCh38, 1-based): chr1:170,544,831, C>G. VCF-style: chr1-170544831-C-G. GRCh37 (hg19) VCF-style: chr1-170513972-C-G.
Other names: c.648C>G, p.Asp216Glu (NM_001146039.2); c.183C>G, p.Asp61Glu (NM_001320252.2); short protein forms D216E, D61E.
Identifiers: ClinVar variation 1013263 (VCV001013263.42), dbSNP rs780332229, ClinGen allele CA1239191.
Genomic context (GRCh38, chr1:170,544,831, plus strand): 5'-TGACATGGTGTCAGCTGACATTGGAATTCTCAGGAACCGGATTGATCAGGCCAGCTTAGA[C>G]TATTCATACGCTCGGTGAGTTGGGGAAATTGAATCTGAACAAGGAGTATGATTTAATTAA-3'
Protein context (NP_689494.3, residues 206-226): LRNRIDQASL[Asp216Glu]YSYARKRFDR